The following is an entry in ClinVar:

ClinVar aggregate classification (germline): Uncertain significance (1 of 4 stars; one submission).

Conditions:
Moyamoya disease 2 (MYMY2). Also called: MOYAMOYA DISEASE 2, SUSCEPTIBILITY TO. Identifiers: Orphanet 2573, MedGen C1846689, MONDO:0011784, OMIM 607151.

Submission:

Diagnostics Services (NGS), CSIR - Centre For Cellular And Molecular Biology
Classification: Uncertain significance for Moyamoya disease 2. Last evaluated: 2024-08-23. Review status: criteria provided, single submitter. Criteria: ACMG Guidelines, 2015. Collection method: clinical testing. Allele origin: unknown. Affected: yes. Observed: 1 variant allele, 1 heterozygote.
Comment: The c.12020C>A variant is not present in publicly available population databases like 1000 Genomes, EVS, ExAC, gnomAD, Indian Exome Database or our in-house exome database. This variant has neither been previously observed in individuals with RNF213-related conditions nor reported to the clinical databases like Human Genome Mutation Database (HGMD), ClinVar or OMIM, in any affected individuals. In-silico pathogenicity prediction programs like SIFT, MutationTaster2021, CADD etc predicted this variant to be likely deleterious, however these predictions were not confirmed by published functional studies. This variant is located in a mutational hotspot region of the gene.

NM_001256071.3(RNF213):c.12020C>A (p.Pro4007His)

Genes: RNF213 (ring finger protein 213; plus strand), RNF213-AS1 (RNF213 antisense RNA 1; minus strand). Cytogenetic location: 17q25.3.
Variant type: single nucleotide variant.
Coding change: c.12020C>A on transcript NM_001256071.3 (MANE Select); coding-DNA position 12020, C replaced by A.
Protein change: p.Pro4007His; replaces proline 4007 with histidine.
Molecular consequence: missense variant.
Genome position (GRCh38, 1-based): chr17:80,368,008, C>A. VCF-style: chr17-80368008-C-A. GRCh37 (hg19) VCF-style: chr17-78341808-C-A.
Other names: c.12167C>A, p.Pro4056His (NM_001410195.1, NM_020914.5); short protein forms P4007H, P4056H.
Identifiers: ClinVar variation 3340508 (VCV003340508.1).